The following is an entry in ClinVar:

NM_015102.5(NPHP4):c.2792T>G (p.Leu931Trp)

Gene: NPHP4 (nephrocystin 4; minus strand). Cytogenetic location: 1p36.31.
Variant type: single nucleotide variant.
Coding change: c.2792T>G on transcript NM_015102.5 (MANE Select); coding-DNA position 2792, T replaced by G.
Protein change: p.Leu931Trp; replaces leucine 931 with tryptophan.
Molecular consequence: missense variant. On other transcripts: non-coding transcript variant (1).
Genome position (GRCh38, 1-based): chr1:5,877,118, A>C on the plus strand (T>G on the coding strand, the complement: NPHP4 is on the minus strand). VCF-style: chr1-5877118-A-C. GRCh37 (hg19) VCF-style: chr1-5937178-A-C.
Other names: c.2792T>G (NM_015102.4); c.1253T>G, p.Leu418Trp (NM_001291593.2); c.1256T>G, p.Leu419Trp (NM_001291594.2); short protein forms L931W, L418W, L419W.
Identifiers: ClinVar variation 4915674 (VCV004915674.2).
Genomic context (GRCh38, chr1:5,877,118, plus strand): 5'-GATCCCAGGACAGTGACAGCTGAACAAACCCTTACCAACACGCTCGTCCCGCGCCGGCCC[A>C]AGTCTCCCCCGGCCTCCTGCAGGCGCACAGACCTCATCCGCTCCAGCTTACGCCTGCGGG-3'
Protein context (NP_055917.1, residues 921-941): SVRLQEAGGD[Leu931Trp]GRRGTSVLAQ

ClinVar aggregate classification (germline): Uncertain significance. Review status: criteria provided, multiple submitters, no conflicts (2 of 4 stars). 2 submissions from 2 submitters: Uncertain significance (2). Last evaluated 2026-06-15.

Conditions:
NPHP4-related disorder. Also called: NPHP4-related disorders; NPHP4-related condition. Identifiers: MedGen CN239384.

Submissions (2):

PreventionGenetics, part of Exact Sciences
Classification: Uncertain significance for NPHP4-related condition. Last evaluated: 2026-06-15. Review status: criteria provided, single submitter. Criteria: ACMG Guidelines, 2015. Collection method: clinical testing. Allele origin: germline.
Comment: The NPHP4 c.2792T>G variant is predicted to result in the amino acid substitution p.Leu931Trp. To our knowledge, this variant has not been reported in the literature. This variant is reported in 0.0065% of alleles in individuals of European (Non-Finnish) descent in gnomAD. At this time, the clinical significance of this variant is uncertain due to the absence of conclusive functional and genetic evidence.

Blueprint Genetics
Classification: Uncertain significance. Last evaluated: 2017-08-15. Review status: criteria provided, single submitter. Criteria: ACMG Guidelines, 2015. Collection method: clinical testing. Allele origin: germline.